The following is an entry in ClinVar:

ClinVar aggregate classification (germline): Pathogenic/Likely pathogenic. Review status: criteria provided, multiple submitters, no conflicts (2 of 4 stars). 2 submissions from 2 submitters: Pathogenic (1); Likely pathogenic (1). Last evaluated 2025-08-30.

Conditions:
Combined malonic and methylmalonic acidemia. Identifiers: Orphanet 289504, MedGen C3280314, MONDO:0013661, OMIM 614265.

Submissions (2):

Natera, Inc.
Classification: Likely pathogenic for Combined malonic and methylmalonic aciduria. Last evaluated: 2025-08-30. Review status: criteria provided, single submitter. Criteria: Natera Variant Classification Schema (03/2026). Collection method: clinical testing. Allele origin: germline.
Comment: The c.1602dupA variant in ACSF3 is a frameshift variant predicted to shift the reading frame beginning at codon 535 and leads to a stop codon 31 codons downstream. This variant is expected to result in nonsense mediated decay, truncation, or a dysfunctional protein product. This variant is rare in the general population with a frequency below the threshold expected for the associated phenotype(s). Given the available evidence, this variant is classified as Likely Pathogenic.

Labcorp Genetics (formerly Invitae), Labcorp
Classification: Pathogenic for Combined malonic and methylmalonic acidemia. Last evaluated: 2022-05-29. Review status: criteria provided, single submitter. Criteria: Invitae Variant Classification Sherloc (09022015). Collection method: clinical testing. Allele origin: germline.
Comment: For these reasons, this variant has been classified as Pathogenic. This variant disrupts a region of the ACSF3 protein in which other variant(s) (p.Glu549*) have been determined to be pathogenic (Invitae). This suggests that this is a clinically significant region of the protein, and that variants that disrupt it are likely to be disease-causing. ClinVar contains an entry for this variant (Variation ID: 840232). This variant has not been reported in the literature in individuals affected with ACSF3-related conditions. This variant is present in population databases (no rsID available, gnomAD 0.003%). This sequence change creates a premature translational stop signal (p.Glu535Argfs*31) in the ACSF3 gene. While this is not anticipated to result in nonsense mediated decay, it is expected to disrupt the last 42 amino acid(s) of the ACSF3 protein.

NM_001243279.3(ACSF3):c.1602dup (p.Glu535fs)

Gene: ACSF3 (acyl-CoA synthetase family member 3; plus strand). Cytogenetic location: 16q24.3.
Variant type: Duplication.
Coding change: c.1602dup on transcript NM_001243279.3 (MANE Select); coding-DNA position 1602, one base duplicated (A; older notation c.1602dupA).
Protein change: p.Glu535fs; shifts the reading frame from glutamic acid 535.
Molecular consequence: frameshift variant. On other transcripts: non-coding transcript variant (4).
Genome position (GRCh38, 1-based): chr16:89,146,038, A duplicated; the last of 3 consecutive A bases (chr16:89,146,036-89,146,038); duplicating any one gives the same sequence. VCF-style (leftmost placement, unchanged base first): chr16-89146035-C-CA. GRCh37 (hg19) VCF-style: chr16-89212443-C-CA.
Other names: c.1602dup, p.Glu535fs (NM_001127214.4, NM_174917.5); c.807dup, p.Glu270fs (NM_001284316.2); c.1602dupA (NM_174917.4); short protein forms E270fs, E535fs.
Identifiers: ClinVar variation 840232 (VCV000840232.10), dbSNP rs1350227206, ClinGen allele CA624225299.